The following is an entry in ClinVar:

ClinVar aggregate classification (germline): Likely benign (0 of 4 stars; one submission).

Conditions:
PIEZO1-related disorder. Also called: PIEZO1-related condition; PIEZO1-Related Disorders.

Submission:

PreventionGenetics, part of Exact Sciences
Classification: Likely benign for PIEZO1-related condition. Last evaluated: 2021-05-20. Review status: no assertion criteria provided. Collection method: clinical testing. Allele origin: germline.
Comment: This variant is classified as likely benign based on ACMG/AMP sequence variant interpretation guidelines (Richards et al. 2015 PMID: 25741868, with internal and published modifications).

NM_001142864.4(PIEZO1):c.2544A>G (p.Pro848=)

Genes: HSALR1 (HSP90AB1 associated lncRNA 1; plus strand), PIEZO1 (piezo type mechanosensitive ion channel component 1 (Er blood group); minus strand). Cytogenetic location: 16q24.3.
Variant type: single nucleotide variant.
Coding change: c.2544A>G on transcript NM_001142864.4 (MANE Select); coding-DNA position 2544, A replaced by G.
Protein change: p.Pro848=; no amino-acid change (proline 848 retained).
Molecular consequence: synonymous variant.
Genome position (GRCh38, 1-based): chr16:88,733,398, T>C on the plus strand (A>G on the coding strand, the complement: PIEZO1 is on the minus strand). VCF-style: chr16-88733398-T-C. GRCh37 (hg19) VCF-style: chr16-88799806-T-C.
Other names: c.1086A>G, p.Pro362= (NM_014745.1).
Identifiers: ClinVar variation 3029766 (VCV003029766.2), dbSNP rs2507904299, ClinGen allele CA497083131.